The following is an entry in ClinVar:

ClinVar aggregate classification (germline): Uncertain significance (1 of 4 stars; one submission).

Submission:

Laboratory for Molecular Medicine, Mass General Brigham Personalized Medicine
Classification: Uncertain significance. Last evaluated: 2015-06-23. Review status: criteria provided, single submitter. Criteria: LMM Criteria. Collection method: clinical testing. Allele origin: germline. Observed: 2 variant alleles.
Comment: The p.Ile404Met variant in PRKAG2 has not been previously reported in individual s with cardiomyopathy or in large population studies. This variant is located wi thin the CBS domain region where all pathogenic PRKAG2 variants have been identi fied to date (Oliveira 2003) and computational prediction tools and conservation analysis suggest that this variant may impact the protein. However, these data are insufficient to determine the clinical significance of the p.Ile404Met.

NM_016203.4(PRKAG2):c.1212C>G (p.Ile404Met)

Gene: PRKAG2 (protein kinase AMP-activated non-catalytic subunit gamma 2; minus strand). Cytogenetic location: 7q36.1.
Variant type: single nucleotide variant.
Coding change: c.1212C>G on transcript NM_016203.4 (MANE Select); coding-DNA position 1212, C replaced by G.
Protein change: p.Ile404Met; replaces isoleucine 404 with methionine.
Molecular consequence: missense variant.
Genome position (GRCh38, 1-based): chr7:151,568,737, G>C on the plus strand (C>G on the coding strand, the complement: PRKAG2 is on the minus strand). VCF-style: chr7-151568737-G-C. GRCh37 (hg19) VCF-style: chr7-151265823-G-C.
Other names: c.1080C>G, p.Ile360Met (NM_001040633.2); c.837C>G, p.Ile279Met (NM_001304527.2); c.489C>G, p.Ile163Met (NM_001304531.2, NM_024429.2); c.840C>G, p.Ile280Met (NM_001363698.2); short protein forms I404M, I163M, I280M, I279M, I360M.
Identifiers: ClinVar variation 229170 (VCV000229170.5), dbSNP rs876657962, ClinGen allele CA10576721.